The following is an entry in ClinVar:

ClinVar aggregate classification (germline): Uncertain significance (1 of 4 stars; one submission).

gnomAD v4.1: 6 of 1,065,554 alleles (0.00056%); highest among the groups gnomAD compares: Non-Finnish European, 0.00068%; no homozygotes.

Submission:

Labcorp Genetics (formerly Invitae), Labcorp
Classification: Uncertain significance. Last evaluated: 2025-10-17. Review status: criteria provided, single submitter. Criteria: Invitae Variant Classification Sherloc (09022015). Collection method: clinical testing. Allele origin: germline.
Comment: This sequence change replaces proline, which is neutral and non-polar, with serine, which is neutral and polar, at codon 1031 of the GRIN2D protein (p.Pro1031Ser). The frequency data for this variant in the population databases is considered unreliable, as metrics indicate insufficient coverage at this position in the gnomAD database. This variant has not been reported in the literature in individuals affected with GRIN2D-related conditions. Invitae Evidence Modeling of protein sequence and biophysical properties (such as structural, functional, and spatial information, amino acid conservation, physicochemical variation, residue mobility, and thermodynamic stability) indicates that this missense variant is not expected to disrupt GRIN2D protein function with a negative predictive value of 95%. In summary, the available evidence is currently insufficient to determine the role of this variant in disease. Therefore, it has been classified as a Variant of Uncertain Significance.

NM_000836.4(GRIN2D):c.3091C>T (p.Pro1031Ser)

Gene: GRIN2D (glutamate ionotropic receptor NMDA type subunit 2D; plus strand). Cytogenetic location: 19q13.33.
Variant type: single nucleotide variant.
Coding change: c.3091C>T on transcript NM_000836.4 (MANE Select); coding-DNA position 3091, C replaced by T.
Protein change: p.Pro1031Ser; replaces proline 1031 with serine.
Molecular consequence: missense variant.
Genome position (GRCh38, 1-based): chr19:48,443,017, C>T. VCF-style: chr19-48443017-C-T. GRCh37 (hg19) VCF-style: chr19-48946274-C-T.
Other names: short protein forms P1031S.
Identifiers: ClinVar variation 4739523 (VCV004739523.1).